The following is an entry in ClinVar:

NM_178857.6(RP1L1):c.274G>T (p.Ala92Ser)

Gene: RP1L1 (RP1 like 1). Cytogenetic location: 8p23.1.
Variant type: single nucleotide variant.
Coding change: c.274G>T on transcript NM_178857.6 (MANE Select); coding-DNA position 274, G replaced by T.
Protein change: p.Ala92Ser; replaces alanine 92 with serine.
Molecular consequence: missense variant.
Genome position (GRCh38, 1-based): chr8:10,622,928, C>A on the plus strand (G>T on the coding strand, the complement: RP1L1 is on the minus strand). VCF-style: chr8-10622928-C-A. GRCh37 (hg19) VCF-style: chr8-10480438-C-A.
Other names: short protein forms A92S.
Identifiers: ClinVar variation 2135427 (VCV002135427.4), dbSNP rs759671638, ClinGen allele CA370300649.

ClinVar aggregate classification (germline): Uncertain significance (1 of 4 stars; one submission).

gnomAD v4.1: 1 of 1,613,988 alleles (0.000062%); highest among the groups gnomAD compares: Non-Finnish European, 0.000085%; no homozygotes.

Submission:

Labcorp Genetics (formerly Invitae), Labcorp
Classification: Uncertain significance. Last evaluated: 2022-08-19. Review status: criteria provided, single submitter. Criteria: Invitae Variant Classification Sherloc (09022015). Collection method: clinical testing. Allele origin: germline.
Comment: This variant is not present in population databases (gnomAD no frequency). In summary, the available evidence is currently insufficient to determine the role of this variant in disease. Therefore, it has been classified as a Variant of Uncertain Significance. Advanced modeling of protein sequence and biophysical properties (such as structural, functional, and spatial information, amino acid conservation, physicochemical variation, residue mobility, and thermodynamic stability) performed at Invitae indicates that this missense variant is not expected to disrupt RP1L1 protein function. This variant has not been reported in the literature in individuals affected with RP1L1-related conditions. This sequence change replaces alanine, which is neutral and non-polar, with serine, which is neutral and polar, at codon 92 of the RP1L1 protein (p.Ala92Ser).